The following is an entry in ClinVar:

NM_000038.6(APC):c.5826C>G (p.Asp1942Glu)

Gene: APC (APC regulator of Wnt signaling pathway; plus strand). Cytogenetic location: 5q22.2.
Variant type: single nucleotide variant.
Coding change: c.5826C>G on transcript NM_000038.6 (MANE Select); coding-DNA position 5826, C replaced by G.
Protein change: p.Asp1942Glu; replaces aspartic acid 1942 with glutamic acid.
Molecular consequence: missense variant.
Genome position (GRCh38, 1-based): chr5:112,841,420, C>G. VCF-style: chr5-112841420-C-G. GRCh37 (hg19) VCF-style: chr5-112177117-C-G.
Other names: c.5826C>G, p.Asp1942Glu (NM_001127510.3, NM_001354895.2); c.5772C>G, p.Asp1924Glu (NM_001127511.3); c.5880C>G, p.Asp1960Glu (NM_001354896.2); c.5856C>G, p.Asp1952Glu (NM_001354897.2); c.5751C>G, p.Asp1917Glu (NM_001354898.2); c.5742C>G, p.Asp1914Glu (NM_001354899.2); c.5703C>G, p.Asp1901Glu (NM_001354900.2); c.5649C>G, p.Asp1883Glu (NM_001354901.2); and 5 more; short protein forms D1924E, D1942E, D1782E, D1841E, D1901E, D1914E, D1659E, D1952E.
Identifiers: ClinVar variation 577989 (VCV000577989.14), dbSNP rs1217377702, ClinGen allele CA16034077.
Genomic context (GRCh38, chr5:112,841,420, plus strand): 5'-GCCTAAACCCATACTTCAGAAACAATCCACTTTTCCCCAGTCATCCAAAGACATACCAGA[C>G]AGAGGGGCAGCAACTGATGAAAAGTTACAGAATTTTGCTATTGAAAATACTCCGGTTTGC-3'
Protein context (NP_000029.2, residues 1932-1952): TFPQSSKDIP[Asp1942Glu]RGAATDEKLQ

ClinVar aggregate classification (germline): Uncertain significance. Review status: criteria provided, multiple submitters, no conflicts (2 of 4 stars). 3 submissions from 3 submitters: Uncertain significance (3). Last evaluated 2024-04-27.

Conditions:
Hereditary cancer-predisposing syndrome. Also called: Tumor predisposition; Hereditary neoplastic syndrome; Hereditary Cancer Syndrome; Neoplastic Syndromes, Hereditary. Identifiers: Orphanet 140162, MedGen C0027672, MeSH D009386, MONDO:0015356.
Familial adenomatous polyposis 1 (FAP1). Also called: POLYPOSIS, ADENOMATOUS INTESTINAL; FAMILIAL ADENOMATOUS POLYPOSIS 1, ATTENUATED. Identifiers: MedGen C2713442, MONDO:0021056, OMIM 175100. Disease mechanism: loss of function.

Allele frequency attached by ClinVar (database versions not stated): gnomAD exomes below 0.00001.
gnomAD v4.1: 2 of 1,613,988 alleles (0.00012%); highest among the groups gnomAD compares: Admixed American, 0.0033%; no homozygotes.

Submissions (3):

Labcorp Genetics (formerly Invitae), Labcorp
Classification: Uncertain significance for Familial adenomatous polyposis 1. Last evaluated: 2024-04-27. Review status: criteria provided, single submitter. Criteria: Invitae Variant Classification Sherloc (09022015). Collection method: clinical testing. Allele origin: germline.
Comment: This sequence change replaces aspartic acid, which is acidic and polar, with glutamic acid, which is acidic and polar, at codon 1942 of the APC protein (p.Asp1942Glu). This variant is present in population databases (no rsID available, gnomAD 0.003%). This variant has not been reported in the literature in individuals affected with APC-related conditions. ClinVar contains an entry for this variant (Variation ID: 577989). Advanced modeling of protein sequence and biophysical properties (such as structural, functional, and spatial information, amino acid conservation, physicochemical variation, residue mobility, and thermodynamic stability) performed at Invitae indicates that this missense variant is not expected to disrupt APC protein function with a negative predictive value of 95%. In summary, the available evidence is currently insufficient to determine the role of this variant in disease. Therefore, it has been classified as a Variant of Uncertain Significance.

Color Diagnostics, LLC DBA Color Health
Classification: Uncertain significance for Hereditary cancer-predisposing syndrome. Last evaluated: 2024-03-06. Review status: criteria provided, single submitter. Criteria: ACMG Guidelines, 2015. Collection method: clinical testing. Allele origin: germline.
Comment: This missense variant replaces aspartic acid with glutamic acid at codon 1942 of the APC protein. Computational prediction suggests that this variant may not impact protein structure and function (internally defined REVEL score threshold <= 0.5, PMID: 27666373). To our knowledge, functional studies have not been reported for this variant. This variant has not been reported in individuals affected with hereditary cancer in the literature. This variant has been identified in 1/250230 chromosomes in the general population by the Genome Aggregation Database (gnomAD). The available evidence is insufficient to determine the role of this variant in disease conclusively. Therefore, this variant is classified as a Variant of Uncertain Significance.

Ambry Genetics
Classification: Uncertain significance for Hereditary cancer-predisposing syndrome. Last evaluated: 2024-01-03. Review status: criteria provided, single submitter. Criteria: Ambry Variant Classification Scheme 2023. Collection method: clinical testing. Allele origin: germline.
Comment: The p.D1942E variant (also known as c.5826C>G), located in coding exon 15 of the APC gene, results from a C to G substitution at nucleotide position 5826. The aspartic acid at codon 1942 is replaced by glutamic acid, an amino acid with highly similar properties. This amino acid position is well conserved in available vertebrate species. In addition, in silico predictors for this gene do not accurately predict pathogenicity. Since supporting evidence is limited at this time, the clinical significance of this alteration remains unclear.